The following is an entry in ClinVar:

ClinVar aggregate classification (germline): Likely pathogenic (1 of 4 stars; one submission).

Conditions:
Cardiac anomalies - developmental delay - facial dysmorphism syndrome (MRFACD). Also called: Impaired intellectual development and distinctive facial features with or without cardiac defects; MED13L Syndrome. Identifiers: Orphanet 369891, MedGen C5192431, MONDO:0014773, OMIM 616789.

Submission:

Institute of Human Genetics, University of Leipzig Medical Center
Classification: Likely pathogenic for Cardiac anomalies - developmental delay - facial dysmorphism syndrome. Last evaluated: 2025-04-03. Review status: criteria provided, single submitter. Criteria: ACMG Guidelines, 2015. Collection method: clinical testing. Allele origin: unknown. Inheritance: Autosomal dominant inheritance. Affected: yes.
Comment: Criteria applied: PM1,PM2,PS4_SUP,PP3

NM_015335.5(MED13L):c.2593T>C (p.Phe865Leu)

Gene: MED13L (mediator complex subunit 13L; minus strand). Cytogenetic location: 12q24.21.
Variant type: single nucleotide variant.
Coding change: c.2593T>C on transcript NM_015335.5 (MANE Select); coding-DNA position 2593, T replaced by C.
Protein change: p.Phe865Leu; replaces phenylalanine 865 with leucine.
Molecular consequence: missense variant.
Genome position (GRCh38, 1-based): chr12:115,997,207, A>G on the plus strand (T>C on the coding strand, the complement: MED13L is on the minus strand). VCF-style: chr12-115997207-A-G. GRCh37 (hg19) VCF-style: chr12-116435012-A-G.
Other names: short protein forms F865L.
Identifiers: ClinVar variation 3376159 (VCV003376159.4).